The following is an entry in ClinVar:

NM_002335.4(LRP5):c.3254A>G (p.Asn1085Ser)

Gene: LRP5 (LDL receptor related protein 5; plus strand). Cytogenetic location: 11q13.2.
Variant type: single nucleotide variant.
Coding change: c.3254A>G on transcript NM_002335.4 (MANE Select); coding-DNA position 3254, A replaced by G.
Protein change: p.Asn1085Ser; replaces asparagine 1085 with serine.
Molecular consequence: missense variant.
Genome position (GRCh38, 1-based): chr11:68,425,119, A>G. VCF-style: chr11-68425119-A-G. GRCh37 (hg19) VCF-style: chr11-68192587-A-G.
Other names: c.1511A>G, p.Asn504Ser (NM_001291902.2); short protein forms N1085S, N504S.
Identifiers: ClinVar variation 3120312 (VCV003120312.2), dbSNP rs763033294, ClinGen allele CA6149925.

ClinVar aggregate classification (germline): Uncertain significance. Review status: criteria provided, multiple submitters, no conflicts (2 of 4 stars). 2 submissions from 2 submitters: Uncertain significance (2). Last evaluated 2025-07-27.

Conditions:
Inborn genetic diseases. Identifiers: MedGen C0950123, MeSH D030342.

Allele frequency attached by ClinVar (database versions not stated): gnomAD exomes below 0.00001; TOPMed below 0.00001; ExAC 0.00001.
gnomAD v4.1: 4 of 1,613,624 alleles (0.00025%); highest among the groups gnomAD compares: East Asian, 0.0089%; no homozygotes.

Submissions (2):

Labcorp Genetics (formerly Invitae), Labcorp
Classification: Uncertain significance. Last evaluated: 2025-07-27. Review status: criteria provided, single submitter. Criteria: Invitae Variant Classification Sherloc (09022015). Collection method: clinical testing. Allele origin: germline.
Comment: This sequence change replaces asparagine, which is neutral and polar, with serine, which is neutral and polar, at codon 1085 of the LRP5 protein (p.Asn1085Ser). This variant is present in population databases (rs763033294, gnomAD 0.02%). This variant has not been reported in the literature in individuals affected with LRP5-related conditions. ClinVar contains an entry for this variant (Variation ID: 3120312). Invitae Evidence Modeling of protein sequence and biophysical properties (such as structural, functional, and spatial information, amino acid conservation, physicochemical variation, residue mobility, and thermodynamic stability) indicates that this missense variant is not expected to disrupt LRP5 protein function with a negative predictive value of 95%. In summary, the available evidence is currently insufficient to determine the role of this variant in disease. Therefore, it has been classified as a Variant of Uncertain Significance.

Ambry Genetics
Classification: Uncertain significance for Inborn genetic diseases. Last evaluated: 2023-10-16. Review status: criteria provided, single submitter. Criteria: Ambry Variant Classification Scheme 2023. Collection method: clinical testing. Allele origin: germline.